The following is an entry in ClinVar:

NM_001458.5(FLNC):c.244A>C (p.Met82Leu)

Gene: FLNC (filamin C; plus strand). Cytogenetic location: 7q32.1.
Variant type: single nucleotide variant.
Coding change: c.244A>C on transcript NM_001458.5 (MANE Select); coding-DNA position 244, A replaced by C.
Protein change: p.Met82Leu; replaces methionine 82 with leucine.
Molecular consequence: missense variant.
Genome position (GRCh38, 1-based): chr7:128,830,881, A>C. VCF-style: chr7-128830881-A-C. GRCh37 (hg19) VCF-style: chr7-128470935-A-C.
Other names: c.244A>C (NM_001458.4); c.244A>C, p.Met82Leu (NM_001127487.2); short protein forms M82L.
Identifiers: ClinVar variation 1422135 (VCV001422135.7), dbSNP rs2128932209, ClinGen allele CA369216580.

ClinVar aggregate classification (germline): Uncertain significance. Review status: criteria provided, multiple submitters, no conflicts (2 of 4 stars). 2 submissions from 2 submitters: Uncertain significance (2). Last evaluated 2021-10-21.

Conditions:
Myofibrillar myopathy 5. Also called: FILAMINOPATHY, AUTOSOMAL DOMINANT; Filaminopathy (type). Identifiers: Orphanet 171445, MedGen C1836050, MONDO:0012289, OMIM 609524.
Distal myopathy with posterior leg and anterior hand involvement. Also called: WILLIAMS DISTAL MYOPATHY. Identifiers: Orphanet 63273, MedGen C3279722, MONDO:0013550, OMIM 614065.
Hypertrophic cardiomyopathy 26. Also called: Cardiomyopathy, familial hypertrophic, 26. Identifiers: Orphanet 75249, MedGen C4310749, MONDO:0014883, OMIM 617047.
Cardiomyopathy (CMYO). Also called: Cardiomyopathies. Identifiers: Orphanet 167848, MedGen C0878544, MONDO:0004994, HP:0001638. Inheritance: Various modes of inheritance.

gnomAD v4.1: 1 of 1,613,144 alleles (0.000062%); highest among the groups gnomAD compares: Non-Finnish European, 0.000085%; no homozygotes.

Submissions (2):

Labcorp Genetics (formerly Invitae), Labcorp
Classification: Uncertain significance for Distal myopathy with posterior leg and anterior hand involvement; Myofibrillar myopathy 5; Hypertrophic cardiomyopathy 26. Last evaluated: 2021-10-21. Review status: criteria provided, single submitter. Criteria: Invitae Variant Classification Sherloc (09022015). Collection method: clinical testing. Allele origin: germline.
Comment: In summary, the available evidence is currently insufficient to determine the role of this variant in disease. Therefore, it has been classified as a Variant of Uncertain Significance. Algorithms developed to predict the effect of missense changes on protein structure and function (SIFT, PolyPhen-2, Align-GVGD) all suggest that this variant is likely to be tolerated. This variant has not been reported in the literature in individuals affected with FLNC-related conditions. This variant is not present in population databases (ExAC no frequency). This sequence change replaces methionine with leucine at codon 82 of the FLNC protein (p.Met82Leu). The methionine residue is moderately conserved and there is a small physicochemical difference between methionine and leucine.

CHEO Genetics Diagnostic Laboratory, Children's Hospital of Eastern Ontario
Classification: Uncertain significance for Cardiomyopathy. Last evaluated: 2021-09-24. Review status: criteria provided, single submitter. Criteria: ACMG Guidelines, 2015. Collection method: clinical testing. Allele origin: germline.